The following is an entry in ClinVar:

NM_000441.2(SLC26A4):c.1229C>A (p.Thr410Lys)

Gene: SLC26A4 (solute carrier family 26 member 4; plus strand). Cytogenetic location: 7q22.3.
Variant type: single nucleotide variant.
Coding change: c.1229C>A on transcript NM_000441.2 (MANE Select); coding-DNA position 1229, C replaced by A.
Protein change: p.Thr410Lys; replaces threonine 410 with lysine.
Molecular consequence: missense variant.
Genome position (GRCh38, 1-based): chr7:107,690,203, C>A. VCF-style: chr7-107690203-C-A. GRCh37 (hg19) VCF-style: chr7-107330648-C-A.
Other names: short protein forms T410K.
Identifiers: ClinVar variation 691512 (VCV000691512.12), dbSNP rs111033220, ClinGen allele CA368839271.

ClinVar aggregate classification (germline): Pathogenic/Likely pathogenic. Review status: criteria provided, multiple submitters, no conflicts (2 of 4 stars). 3 submissions from 3 submitters: Pathogenic (1); Likely pathogenic (2). Last evaluated 2024-12-17.

Conditions:
Autosomal recessive nonsyndromic hearing loss 4 (DFNB4). Also called: Enlarged vestibular aqueduct, digenic; Nonsyndromic enlarged vestibular aqueduct (NSEVA); Deafness, autosomal recessive 4, with enlarged vestibular aqueduct; Deafness, autosomal recessive 4; NEUROSENSORY NONSYNDROMIC RECESSIVE DEAFNESS 4; FOXI1-Related Pendred Syndrome. Identifiers: Orphanet 90636, MedGen C3538946, MONDO:0010933, OMIM 600791.

Submissions (3):

GeneDx
Classification: Pathogenic. Last evaluated: 2024-12-17. Review status: criteria provided, single submitter. Criteria: GeneDx Variant Classification Process June 2021. Collection method: clinical testing. Allele origin: germline. Affected: yes.
Comment: Reported in association with enlarged vestibular aqueduct in published literature (PMID: 34801268); however, proband clinical information not provided; Published functional studies demonstrate loss of antiport activity (PMID: 31599023); Not observed in large population cohorts (gnomAD); In silico analysis supports that this missense variant has a deleterious effect on protein structure/function; This variant is associated with the following publications: (PMID: 38474007, 34428318, 38029595, 32165640, 31599023, 24007330, 34801268)

Labcorp Genetics (formerly Invitae), Labcorp
Classification: Likely pathogenic. Last evaluated: 2022-04-14. Review status: criteria provided, single submitter. Criteria: Invitae Variant Classification Sherloc (09022015). Collection method: clinical testing. Allele origin: germline.
Comment: In summary, the currently available evidence indicates that the variant is pathogenic, but additional data are needed to prove that conclusively. Therefore, this variant has been classified as Likely Pathogenic. This variant disrupts the p.Thr410 amino acid residue in SLC26A4. Other variant(s) that disrupt this residue have been determined to be pathogenic (PMID: 9618167, 11919333, 11932316, 24224479, 25468468). This suggests that this residue is clinically significant, and that variants that disrupt this residue are likely to be disease-causing. Algorithms developed to predict the effect of sequence changes on RNA splicing suggest that this variant may create or strengthen a splice site. Experimental studies have shown that this missense change affects SLC26A4 function (PMID: 31599023). Advanced modeling of protein sequence and biophysical properties (such as structural, functional, and spatial information, amino acid conservation, physicochemical variation, residue mobility, and thermodynamic stability) performed at Invitae indicates that this missense variant is expected to disrupt SLC26A4 protein function. ClinVar contains an entry for this variant (Variation ID: 691512). This missense change has been observed in individual(s) with hearing loss and enlarged vestibular aqueduct (PMID: 31599023). This variant is not present in population databases (gnomAD no frequency). This sequence change replaces threonine, which is neutral and polar, with lysine, which is basic and polar, at codon 410 of the SLC26A4 protein (p.Thr410Lys).

National Institute of Sensory Organs, National Hospital Organization Tokyo Medical Center
Classification: Likely pathogenic for Autosomal recessive nonsyndromic hearing loss 4. Last evaluated: 2019-08-20. Review status: criteria provided, single submitter. Criteria: ACMG Guidelines, 2015. Collection method: clinical testing, in vitro. Allele origin: paternal, maternal, germline. Inheritance: Autosomal recessive inheritance. Affected: yes. Observed: 2 compound heterozygotes. Clinical features observed: Hearing impairment (HP:0000365), Sensorineural hearing loss (HP:0000407), Moderate hearing impairment (HP:0012713), Severe hearing impairment (HP:0012714). Functional consequence: loss_of_function_variant. Segregation with disease observed.
Comment: in vitro experiment

Literature cited by the submitters: PubMed 9618167 (cited by Labcorp Genetics (formerly Invitae), Labcorp); PubMed 11919333 (cited by Labcorp Genetics (formerly Invitae), Labcorp); PubMed 11932316 (cited by Labcorp Genetics (formerly Invitae), Labcorp); PubMed 24224479 (cited by Labcorp Genetics (formerly Invitae), Labcorp); PubMed 25468468 (cited by Labcorp Genetics (formerly Invitae), Labcorp); PubMed 31599023 (cited by Labcorp Genetics (formerly Invitae), Labcorp and National Institute of Sensory Organs, National Hospital Organization Tokyo Medical Center).